The following is an entry in ClinVar:

NM_001267550.2(TTN):c.7435T>G (p.Tyr2479Asp)

Genes: TTN (titin; minus strand), LOC126806433 (BRD4-independent group 4 enhancer GRCh37_chr2:179638309-179639508; plus strand). Cytogenetic location: 2q31.2.
Variant type: single nucleotide variant.
Coding change: c.7435T>G on transcript NM_001267550.2 (MANE Select); coding-DNA position 7435, T replaced by G.
Protein change: p.Tyr2479Asp; replaces tyrosine 2479 with aspartic acid.
Molecular consequence: missense variant.
Genome position (GRCh38, 1-based): chr2:178,773,621, A>C on the plus strand (T>G on the coding strand, the complement: TTN is on the minus strand). VCF-style: chr2-178773621-A-C. GRCh37 (hg19) VCF-style: chr2-179638348-A-C.
Other names: c.7435T>G, p.Tyr2479Asp (NM_001256850.1, NM_133378.4, NM_133379.5); c.7297T>G, p.Tyr2433Asp (NM_003319.4, NM_133432.3, NM_133437.4); short protein forms Y2479D, Y2433D.
Identifiers: ClinVar variation 1758130 (VCV001758130.3), dbSNP rs775065622, ClinGen allele CA2004811.

ClinVar aggregate classification (germline): Uncertain significance. Review status: criteria provided, multiple submitters, no conflicts (2 of 4 stars). 2 submissions from 2 submitters: Uncertain significance (2). Last evaluated 2026-01-29.

Conditions:
Cardiovascular phenotype. Identifiers: MedGen CN230736.

Allele frequency attached by ClinVar (database versions not stated): gnomAD 0.00001; TOPMed 0.00003.
gnomAD v4.1: 6 of 1,613,890 alleles (0.00037%); highest among the groups gnomAD compares: African/African-American, 0.008%; no homozygotes.

Submissions (2):

GeneDx
Classification: Uncertain significance. Last evaluated: 2026-01-29. Review status: criteria provided, single submitter. Criteria: GeneDx Variant Classification Process June 2021. Collection method: clinical testing. Allele origin: germline.
Comment: Not observed at significant frequency in large population cohorts (gnomAD); Missense variant in a gene in which most reported pathogenic variants are truncating/loss of function; Has not been previously published as pathogenic or benign to our knowledge

Ambry Genetics
Classification: Uncertain significance for Cardiovascular phenotype. Last evaluated: 2020-06-26. Review status: criteria provided, single submitter. Criteria: Ambry Variant Classification Scheme 2023. Collection method: clinical testing. Allele origin: germline.
Comment: The p.Y2433D variant (also known as c.7297T>G), located in coding exon 30 of the TTN gene, results from a T to G substitution at nucleotide position 7297. The tyrosine at codon 2433 is replaced by aspartic acid, an amino acid with highly dissimilar properties. This amino acid position is highly conserved in available vertebrate species. In addition, the in silico prediction for this alteration is inconclusive. Since supporting evidence is limited at this time, the clinical significance of this alteration remains unclear.